The following is an entry in ClinVar:

NM_022114.4(PRDM16):c.1681G>A (p.Ala561Thr)

Gene: PRDM16 (PR/SET domain 16; plus strand). Cytogenetic location: 1p36.32.
Variant type: single nucleotide variant.
Coding change: c.1681G>A on transcript NM_022114.4 (MANE Select); coding-DNA position 1681, G replaced by A.
Protein change: p.Ala561Thr; replaces alanine 561 with threonine.
Molecular consequence: missense variant.
Genome position (GRCh38, 1-based): chr1:3,411,878, G>A. VCF-style: chr1-3411878-G-A. GRCh37 (hg19) VCF-style: chr1-3328442-G-A.
Other names: c.1681G>A, p.Ala561Thr (NM_199454.3); short protein forms A561T.
Identifiers: ClinVar variation 2910729 (VCV002910729.3), dbSNP rs748041218, ClinGen allele CA544252.

ClinVar aggregate classification (germline): Uncertain significance (1 of 4 stars; one submission).

Conditions:
Left ventricular noncompaction 8 (LVNC8). Identifiers: Orphanet 154, Orphanet 54260, MedGen C3809288, MONDO:0014152, OMIM 615373.

Allele frequency attached by ClinVar (database versions not stated): ExAC 0.00001; gnomAD 0.00001; TOPMed 0.00002.
gnomAD v4.1: 11 of 1,612,636 alleles (0.00068%); highest among the groups gnomAD compares: South Asian, 0.0055%; no homozygotes.

Submission:

Labcorp Genetics (formerly Invitae), Labcorp
Classification: Uncertain significance for Left ventricular noncompaction 8. Last evaluated: 2024-01-02. Review status: criteria provided, single submitter. Criteria: Invitae Variant Classification Sherloc (09022015). Collection method: clinical testing. Allele origin: germline.
Comment: This sequence change replaces alanine, which is neutral and non-polar, with threonine, which is neutral and polar, at codon 561 of the PRDM16 protein (p.Ala561Thr). This variant is present in population databases (rs748041218, gnomAD 0.01%). This variant has not been reported in the literature in individuals affected with PRDM16-related conditions. An algorithm developed to predict the effect of missense changes on protein structure and function (PolyPhen-2) suggests that this variant is likely to be tolerated. In summary, the available evidence is currently insufficient to determine the role of this variant in disease. Therefore, it has been classified as a Variant of Uncertain Significance.